The following is an entry in ClinVar:

ClinVar aggregate classification (germline): Likely benign. Review status: criteria provided, multiple submitters, no conflicts (2 of 4 stars). 2 submissions from 2 submitters: Likely benign (2). Last evaluated 2018-06-16.

Allele frequency attached by ClinVar (database versions not stated): 1000 Genomes Project 30x 0.01515; 1000 Genomes Project 0.01518; TOPMed 0.01643; gnomAD 0.01660 and 0.01752; gnomAD exomes 0.02038.

Submissions (12):

GeneDx
Classification: Likely benign. Last evaluated: 2018-06-16. Review status: criteria provided, single submitter. Criteria: GeneDx Variant Classification (06012015). Collection method: clinical testing. Allele origin: germline. Affected: yes.
Comment: This variant is considered likely benign or benign based on one or more of the following criteria: it is a conservative change, it occurs at a poorly conserved position in the protein, it is predicted to be benign by multiple in silico algorithms, and/or has population frequency not consistent with disease.

Breakthrough Genomics
Classification: Likely benign. Review status: criteria provided, single submitter. Criteria: ACMG Guidelines, 2015. Collection method: not provided. Allele origin: germline. Inheritance: Autosomal recessive inheritance. Affected: yes.

Dr. Peter K. Rogan Lab, Western University
No classification provided (evidence only). Condition: Lung cancer. Review status: no classification provided. Collection method: in vitro. Allele origin: not applicable. Functional consequence: retained intron. Not counted in ClinVar's aggregate classification.

Dr. Peter K. Rogan Lab, Western University
No classification provided (evidence only). Condition: Acute myeloid leukemia. Review status: no classification provided. Collection method: in vitro. Allele origin: not applicable. Functional consequence: skipped exon, retained intron. Not counted in ClinVar's aggregate classification.

Dr. Peter K. Rogan Lab, Western University
No classification provided (evidence only). Condition: Cervical cancer. Review status: no classification provided. Collection method: in vitro. Allele origin: not applicable. Functional consequence: skipped exon. Not counted in ClinVar's aggregate classification.

Dr. Peter K. Rogan Lab, Western University
No classification provided (evidence only). Condition: Cervical cancer. Review status: no classification provided. Collection method: in vitro. Allele origin: not applicable. Functional consequence: retained intron. Not counted in ClinVar's aggregate classification.

Dr. Peter K. Rogan Lab, Western University
No classification provided (evidence only). Condition: Thymoma. Review status: no classification provided. Collection method: in vitro. Allele origin: not applicable. Functional consequence: retained intron. Not counted in ClinVar's aggregate classification.

Dr. Peter K. Rogan Lab, Western University
No classification provided (evidence only). Condition: Gastric cancer. Review status: no classification provided. Collection method: in vitro. Allele origin: not applicable. Functional consequence: retained intron. Not counted in ClinVar's aggregate classification.

Dr. Peter K. Rogan Lab, Western University
No classification provided (evidence only). Condition: Gastric cancer. Review status: no classification provided. Collection method: in vitro. Allele origin: not applicable. Functional consequence: retained intron. Not counted in ClinVar's aggregate classification.

Dr. Peter K. Rogan Lab, Western University
No classification provided (evidence only). Condition: Malignant tumor of esophagus. Review status: no classification provided. Collection method: in vitro. Allele origin: not applicable. Functional consequence: retained intron. Not counted in ClinVar's aggregate classification.

Dr. Peter K. Rogan Lab, Western University
No classification provided (evidence only). Condition: Malignant tumor of esophagus. Review status: no classification provided. Collection method: in vitro. Allele origin: not applicable. Functional consequence: retained intron. Not counted in ClinVar's aggregate classification.

Dr. Peter K. Rogan Lab, Western University
No classification provided (evidence only). Condition: Malignant tumor of esophagus. Review status: no classification provided. Collection method: in vitro. Allele origin: not applicable. Functional consequence: retained intron. Not counted in ClinVar's aggregate classification.

NM_001852.4(COL9A2):c.1792+55C>T

Gene: COL9A2 (collagen type IX alpha 2 chain; minus strand). Cytogenetic location: 1p34.2.
Variant type: single nucleotide variant.
Coding change: c.1792+55C>T on transcript NM_001852.4 (MANE Select); 55 bases into the intron after coding-DNA position 1792, C replaced by T.
Molecular consequence: intron variant.
Genome position (GRCh38, 1-based): chr1:40,302,566, G>A on the plus strand (C>T on the coding strand, the complement: COL9A2 is on the minus strand). VCF-style: chr1-40302566-G-A. GRCh37 (hg19) VCF-style: chr1-40768238-G-A.
Other names: NC_000001.10:g.40768238G>A.
Identifiers: ClinVar variation 677893 (VCV000677893.3), dbSNP rs117728155, ClinGen allele CA10836801.